The following is an entry in ClinVar:

NM_020778.5(ALPK3):c.4932del (p.Ala1645fs)

Gene: ALPK3 (alpha kinase 3; plus strand). Cytogenetic location: 15q25.3.
Variant type: Deletion.
Coding change: c.4932del on transcript NM_020778.5 (MANE Select); coding-DNA position 4932, one base deleted (T; older notation c.4932delT).
Protein change: p.Ala1645fs; shifts the reading frame from alanine 1645.
Molecular consequence: frameshift variant.
Genome position (GRCh38, 1-based): chr15:84,868,270, T deleted. VCF-style (leftmost placement, unchanged base first): chr15-84868269-CT-C. GRCh37 (hg19) VCF-style: chr15-85411500-CT-C.
Other names: short protein forms A1645fs.
Identifiers: ClinVar variation 4883917 (VCV004883917.2).
Genomic context (GRCh38, chr15:84,868,269, plus strand): 5'-CTCTCAAGGGCCCGGAGGCGGCCCACCCCCAAGCCAAAGCCAAAGGCTCTAAGAGTCCAT[CT>C]GCTGGCAGGAAAGGCTCCCAGCTGAGTCCTCAGCCCCAGAAGAAAGGCCTCCCTAGTCCT-3'

ClinVar aggregate classification (germline): Uncertain significance (1 of 4 stars; one submission).

Submission:

Dasa
Classification: Uncertain significance. Last evaluated: 2025-05-29. Review status: criteria provided, single submitter. Criteria: DASA Assertion Criteria. Collection method: clinical testing. Allele origin: germline.
Comment: NM_020778.5(ALPK3):c.4932del (p.Ala1645Leufs*8) is a frameshift variant in ALPK3 predicted to alter the reading frame and introduce a premature termination codon and is predicted to result in an absent or altered protein product. This variant is rare in population databases. The currently available literature and clinical evidence are not sufficient to establish a definitive association between this variant and the reported condition. Therefore, this variant is classified as a variant of uncertain significance.